The following is an entry in ClinVar:

NM_004329.3(BMPR1A):c.505A>T (p.Ile169Phe)

Gene: BMPR1A (bone morphogenetic protein receptor type 1A; plus strand). Cytogenetic location: 10q23.2.
Variant type: single nucleotide variant.
Coding change: c.505A>T on transcript NM_004329.3 (MANE Select); coding-DNA position 505, A replaced by T.
Protein change: p.Ile169Phe; replaces isoleucine 169 with phenylalanine.
Molecular consequence: missense variant.
Genome position (GRCh38, 1-based): chr10:86,900,101, A>T. VCF-style: chr10-86900101-A-T. GRCh37 (hg19) VCF-style: chr10-88659858-A-T.
Other names: short protein forms I169F.
Identifiers: ClinVar variation 239862 (VCV000239862.27), dbSNP rs878854668, ClinGen allele CA10582742.

ClinVar aggregate classification (germline): Conflicting classifications of pathogenicity. Review status: criteria provided, conflicting classifications (1 of 4 stars). 7 submissions from 7 submitters: Uncertain significance (6); Likely benign (1). Last evaluated 2025-12-10.

Conditions:
Juvenile polyposis syndrome (JPS). Identifiers: Orphanet 2929, MedGen C0345893, MONDO:0017380, OMIM 174900.
Hereditary cancer-predisposing syndrome. Also called: Neoplastic Syndromes, Hereditary; Tumor predisposition; Hereditary neoplastic syndrome; Hereditary Cancer Syndrome. Identifiers: Orphanet 140162, MedGen C0027672, MeSH D009386, MONDO:0015356.
Polyposis syndrome, hereditary mixed, 2. Identifiers: Orphanet 157794, MedGen C1864730, MONDO:0012405, OMIM 610069.

gnomAD v4.1: 4 of 1,613,920 alleles (0.00025%); highest among the groups gnomAD compares: Non-Finnish European, 0.00034%; no homozygotes.

Submissions (7):

Labcorp Genetics (formerly Invitae), Labcorp
Classification: Uncertain significance for Juvenile polyposis syndrome. Last evaluated: 2025-12-10. Review status: criteria provided, single submitter. Criteria: Invitae Variant Classification Sherloc (09022015). Collection method: clinical testing. Allele origin: germline.
Comment: This sequence change replaces isoleucine, which is neutral and non-polar, with phenylalanine, which is neutral and non-polar, at codon 169 of the BMPR1A protein (p.Ile169Phe). This variant is not present in population databases (gnomAD no frequency). This missense change has been observed in individual(s) with clinical features of BMPR1A-related conditions (internal data). ClinVar contains an entry for this variant (Variation ID: 239862). Invitae Evidence Modeling incorporating data from in vitro experimental studies (internal data) indicates that this missense variant is not expected to disrupt BMPR1A function with a negative predictive value of 95%. In summary, the available evidence is currently insufficient to determine the role of this variant in disease. Therefore, it has been classified as a Variant of Uncertain Significance.

Baylor Genetics
Classification: Uncertain significance for Polyposis syndrome, hereditary mixed, 2. Last evaluated: 2024-03-29. Review status: criteria provided, single submitter. Criteria: ACMG Guidelines, 2015. Collection method: clinical testing. Allele origin: unknown.

All of Us Research Program, National Institutes of Health
Classification: Uncertain significance for Juvenile polyposis syndrome. Last evaluated: 2023-12-13. Review status: criteria provided, single submitter. Criteria: ACMG Guidelines, 2015. Collection method: clinical testing. Allele origin: germline. Inheritance: Autosomal dominant inheritance. Observed: 3 variant alleles, 3 heterozygotes.
Comment: This missense variant replaces isoleucine with phenylalanine at codon 169 of the BMPR1A protein. Computational prediction suggests that this variant may not impact protein structure and function (internally defined REVEL score threshold <= 0.5, PMID: 27666373). To our knowledge, functional studies have not been reported for this variant. This variant has not been reported in individuals affected with BMPR1A-related disorders in the literature. This variant has not been identified in the general population by the Genome Aggregation Database (gnomAD). The available evidence is insufficient to determine the role of this variant in disease conclusively. Therefore, this variant is classified as a Variant of Uncertain Significance.

This study involves interpretation of variants in research participants for the purpose of population health screening. Participant phenotype was not available at the time of variant classification. Additional details can be found in publication PMID: 35346344, PMCID: PMC8962531

Ambry Genetics
Classification: Likely benign for Hereditary cancer-predisposing syndrome. Last evaluated: 2023-04-26. Review status: criteria provided, single submitter. Criteria: Ambry Variant Classification Scheme 2023. Collection method: clinical testing. Allele origin: germline.

Color Diagnostics, LLC DBA Color Health
Classification: Uncertain significance for Hereditary cancer-predisposing syndrome. Last evaluated: 2023-04-03. Review status: criteria provided, single submitter. Criteria: ACMG Guidelines, 2015. Collection method: clinical testing. Allele origin: germline.
Comment: This missense variant replaces isoleucine with phenylalanine at codon 169 of the BMPR1A protein. Computational prediction suggests that this variant may not impact protein structure and function (internally defined REVEL score threshold <= 0.5, PMID: 27666373). To our knowledge, functional studies have not been reported for this variant. This variant has not been reported in individuals affected with BMPR1A-related disorders in the literature. This variant has not been identified in the general population by the Genome Aggregation Database (gnomAD). The available evidence is insufficient to determine the role of this variant in disease conclusively. Therefore, this variant is classified as a Variant of Uncertain Significance.

Quest Diagnostics Nichols Institute San Juan Capistrano
Classification: Uncertain significance. Last evaluated: 2019-12-24. Review status: criteria provided, single submitter. Criteria: Quest Diagnostics criteria. Collection method: clinical testing. Allele origin: unknown.

GeneDx
Classification: Uncertain significance. Last evaluated: 2017-03-23. Review status: criteria provided, single submitter. Criteria: GeneDx Variant Classification (06012015). Collection method: clinical testing. Allele origin: germline. Affected: yes.
Comment: This variant is denoted BMPR1A c.505A>T at the cDNA level, p.Ile169Phe (I169F) at the protein level, and results in the change of an Isoleucine to a Phenylalanine (ATC>TTC). This variant has not, to our knowledge, been published in the literature as pathogenic or benign. BMPR1A Ile169Phe was not observed in large population cohorts (NHLBI Exome Sequencing Project, The 1000 Genomes Consortium 2015, Lek 2016). Since Isoleucine and Phenylalanine share similar properties, this is considered a conservative amino acid substitution. BMPR1A Ile169Phe occurs at a position that is conserved in mammals and is located in the transmembrane domain (Howe 2004). While protein-based in silico analyses are inconsistent regarding the effect this variant may have on protein structure and function, multiple splicing models predict that this variant may strengthen a cryptic splice acceptor site downstream of the natural acceptor site and possibly lead to abnormal splicing. However, in the absence of RNA or functional studies, the actual effect of this variant is unknown. Based on currently available evidence, it is unclear whether BMPR1A Ile169Phe is a pathogenic or benign variant. We consider it to be a variant of uncertain significance.